The following is an entry in ClinVar:

ClinVar aggregate classification (germline): Likely pathogenic (0 of 4 stars; one submission).

Conditions:
Autism spectrum disorder. Also called: Autism spectrum disorders. Identifiers: MedGen C1510586, MeSH D000067877, MONDO:0005258.

gnomAD v4.1: 3 of 1,564,228 alleles (0.00019%); highest among the groups gnomAD compares: Non-Finnish European, 0.000087%; no homozygotes.

Submission:

Department of Medical Genetics, Capital Institute of Pediatrics
Classification: Likely pathogenic for Autism Spectrum Disorder. Last evaluated: 2024-07-03. Review status: no assertion criteria provided. Collection method: research. Allele origin: paternal. Affected: yes.
Comment: PVS1+PM2_Supporting

Literature cited by the submitters: PubMed 39419027.

NM_001039469.3(MARK2):c.1990C>T (p.Arg664Ter)

Gene: MARK2 (microtubule affinity regulating kinase 2; plus strand). Cytogenetic location: 11q13.1.
Variant type: single nucleotide variant.
Coding change: c.1990C>T on transcript NM_001039469.3 (MANE Select); coding-DNA position 1990, C replaced by T.
Protein change: p.Arg664Ter; replaces arginine 664 with a stop codon.
Molecular consequence: nonsense. On other transcripts: intron variant (2).
Genome position (GRCh38, 1-based): chr11:63,908,288, C>T. VCF-style: chr11-63908288-C-T. GRCh37 (hg19) VCF-style: chr11-63675760-C-T.
Other names: c.1798C>T, p.Arg600Ter (NM_004954.5); c.1861C>T, p.Arg621Ter (NM_017490.4); c.1800-589C>T (NM_001163296.2); c.1770-589C>T (NM_001163297.2); short protein forms R600*, R621*, R664*.
Identifiers: ClinVar variation 3253638 (VCV003253638.2), dbSNP rs1369701108.